The following is an entry in ClinVar:

ClinVar aggregate classification (germline): Conflicting classifications of pathogenicity. Review status: criteria provided, conflicting classifications (1 of 4 stars). 3 submissions from 3 submitters: Uncertain significance (2); Likely benign (1). Last evaluated 2025-08-22.

Conditions:
Inborn genetic diseases. Identifiers: MedGen C0950123, MeSH D030342.
Palmoplantar keratoderma, epidermolytic. Also called: Localized epidermolytic hyperkeratosis. Identifiers: MedGen C1721006, MONDO:0968949, HP:0007559.

Allele frequency attached by ClinVar (database versions not stated): gnomAD exomes 0.00003; ExAC 0.00005; 1000 Genomes Project 0.00020; gnomAD 0.00008 and 0.00009; TOPMed 0.00010; 1000 Genomes Project 30x 0.00016.

Submissions (3):

Ambry Genetics
Classification: Likely benign for Inborn genetic diseases. Last evaluated: 2025-08-22. Review status: criteria provided, single submitter. Criteria: Ambry Variant Classification Scheme 2023. Collection method: clinical testing. Allele origin: germline.

Labcorp Genetics (formerly Invitae), Labcorp
Classification: Uncertain significance. Last evaluated: 2023-01-28. Review status: criteria provided, single submitter. Criteria: Invitae Variant Classification Sherloc (09022015). Collection method: clinical testing. Allele origin: germline.
Comment: This sequence change replaces serine, which is neutral and polar, with glycine, which is neutral and non-polar, at codon 84 of the KRT9 protein (p.Ser84Gly). In summary, the available evidence is currently insufficient to determine the role of this variant in disease. Therefore, it has been classified as a Variant of Uncertain Significance. Advanced modeling of protein sequence and biophysical properties (such as structural, functional, and spatial information, amino acid conservation, physicochemical variation, residue mobility, and thermodynamic stability) performed at Invitae indicates that this missense variant is not expected to disrupt KRT9 protein function. ClinVar contains an entry for this variant (Variation ID: 891574). This variant has not been reported in the literature in individuals affected with KRT9-related conditions. This variant is present in population databases (rs563000405, gnomAD 0.03%).

Illumina Laboratory Services, Illumina
Classification: Uncertain significance for Epidermolytic palmoplantar keratoderma, 1. Last evaluated: 2018-01-12. Review status: criteria provided, single submitter. Criteria: ICSL Variant Classification Criteria 13 December 2019. Collection method: clinical testing. Allele origin: germline.

NM_000226.4(KRT9):c.250A>G (p.Ser84Gly)

Gene: KRT9 (keratin 9; minus strand). Cytogenetic location: 17q21.2.
Variant type: single nucleotide variant.
Coding change: c.250A>G on transcript NM_000226.4 (MANE Select); coding-DNA position 250, A replaced by G.
Protein change: p.Ser84Gly; replaces serine 84 with glycine.
Molecular consequence: missense variant.
Genome position (GRCh38, 1-based): chr17:41,571,743, T>C on the plus strand (A>G on the coding strand, the complement: KRT9 is on the minus strand). VCF-style: chr17-41571743-T-C. GRCh37 (hg19) VCF-style: chr17-39727995-T-C.
Other names: short protein forms S84G.
Identifiers: ClinVar variation 891574 (VCV000891574.8), dbSNP rs563000405, ClinGen allele CA8562280.